The following is an entry in ClinVar:

NM_002473.6(MYH9):c.3653C>T (p.Ala1218Val)

Gene: MYH9 (myosin heavy chain 9; minus strand). Cytogenetic location: 22q12.3.
Variant type: single nucleotide variant.
Coding change: c.3653C>T on transcript NM_002473.6 (MANE Select); coding-DNA position 3653, C replaced by T.
Protein change: p.Ala1218Val; replaces alanine 1218 with valine.
Molecular consequence: missense variant.
Genome position (GRCh38, 1-based): chr22:36,294,276, G>A on the plus strand (C>T on the coding strand, the complement: MYH9 is on the minus strand). VCF-style: chr22-36294276-G-A. GRCh37 (hg19) VCF-style: chr22-36690322-G-A.
Other names: short protein forms A1218V.
Identifiers: ClinVar variation 3768615 (VCV003768615.2).
Genomic context (GRCh38, chr22:36,294,276, plus strand): 5'-TGCAGCAGCACCTTCACCTCGTTGGCCAGCTCCCCCCGCTCGTTCTCCAGAGTCTGCTTT[G>A]CCTTCTCGAGGTTTGCTTTCACCTAGCAGGGAAGAAAGCAAAGACGTGAGTGGGGGCCTC-3'
Protein context (NP_002464.1, residues 1208-1228): TKRVKANLEK[Ala1218Val]KQTLENERGE

ClinVar aggregate classification (germline): Conflicting classifications of pathogenicity. Review status: criteria provided, conflicting classifications (1 of 4 stars). 2 submissions from 2 submitters: Uncertain significance (1); Benign (1). Last evaluated 2025-09-16.

gnomAD v4.1: 9 of 1,613,854 alleles (0.00056%); highest among the groups gnomAD compares: African/African-American, 0.012%; no homozygotes.

Submissions (2):

Labcorp Genetics (formerly Invitae), Labcorp
Classification: Benign. Last evaluated: 2025-09-16. Review status: criteria provided, single submitter. Criteria: Invitae Variant Classification Sherloc (09022015). Collection method: clinical testing. Allele origin: germline.

Women's Health and Genetics/Laboratory Corporation of America, LabCorp
Classification: Uncertain significance. Last evaluated: 2025-02-26. Review status: criteria provided, single submitter. Criteria: LabCorp Variant Classification Summary - May 2015. Collection method: clinical testing. Allele origin: germline.
Comment: Variant summary: MYH9 c.3653C>T (p.Ala1218Val) results in a non-conservative amino acid change located in the Myosin tail domain (IPR002928) of the encoded protein sequence. Three of five in-silico tools predict a benign effect of the variant on protein function. The variant allele was found at a frequency of 4e-06 in 251056 control chromosomes. The available data on variant occurrences in the general population are insufficient to allow any conclusion about variant significance. To our knowledge, no occurrence of c.3653C>T in individuals affected with Macrothrombocytopenia And Granulocyte Inclusions With Or Without Nephritis Or Sensorineural Hearing Loss and no experimental evidence demonstrating its impact on protein function have been reported. No submitters have cited clinical-significance assessments for this variant to ClinVar. Based on the evidence outlined above, the variant was classified as uncertain significance.